The following is an entry in ClinVar:

ClinVar aggregate classification (germline): Uncertain significance (1 of 4 stars; one submission).

Conditions:
Cardiac arrhythmia. Also called: Arrhythmia; Cardiac rhythm disease. Identifiers: MedGen C0003811, MONDO:0007263, HP:0011675.

gnomAD v4.1: 2 of 1,613,988 alleles (0.00012%); highest among the groups gnomAD compares: Non-Finnish European, 0.00017%; no homozygotes.

Submission:

Color Diagnostics, LLC DBA Color Health
Classification: Uncertain significance for Cardiac arrhythmia. Last evaluated: 2025-10-07. Review status: criteria provided, single submitter. Criteria: ACMG Guidelines, 2015. Collection method: clinical testing. Allele origin: germline.
Comment: This missense variant replaces glutamic acid with lysine at codon 508 of the KCNQ1 protein. Computational prediction suggests that this variant may have deleterious impact on protein structure and function. To our knowledge, functional studies have not been reported for this variant. This variant has not been reported in individuals affected with KCNQ1-related disorders in the literature. This variant has been identified in 2/1461740 chromosomes in the general population by the Genome Aggregation Database (gnomAD). The available evidence is insufficient to determine the role of this variant in disease conclusively. Therefore, this variant is classified as a Variant of Uncertain Significance.

NM_000218.3(KCNQ1):c.1522G>A (p.Glu508Lys)

Gene: KCNQ1 (potassium voltage-gated channel subfamily Q member 1; plus strand). Cytogenetic location: 11p15.5.
Variant type: single nucleotide variant.
Coding change: c.1522G>A on transcript NM_000218.3 (MANE Select); coding-DNA position 1522, G replaced by A.
Protein change: p.Glu508Lys; replaces glutamic acid 508 with lysine.
Molecular consequence: missense variant.
Genome position (GRCh38, 1-based): chr11:2,768,851, G>A. VCF-style: chr11-2768851-G-A. GRCh37 (hg19) VCF-style: chr11-2790081-G-A.
Other names: c.1426G>A, p.Glu476Lys (NM_001406836.1); c.1252G>A, p.Glu418Lys (NM_001406837.1); c.982G>A, p.Glu328Lys (NM_001406838.1); c.1141G>A, p.Glu381Lys (NM_181798.2); short protein forms E328K, E381K, E418K, E476K, E508K.
Identifiers: ClinVar variation 4758218 (VCV004758218.1).
Genomic context (GRCh38, chr11:2,768,851, plus strand): 5'-GATGACCAGCACAGGGTGGCCACTCACAATCTCCTCTCCTCTCTCCACTGCAGGCTGCGG[G>A]AACACCATCGGGCCACCATTAAGGTCATTCGACGCATGCAGTACTTTGTGGCCAAGAAGA-3'
Protein context (NP_000209.2, residues 498-518): TPITHISQLR[Glu508Lys]HHRATIKVIR